The following is an entry in ClinVar:

NM_031935.3(HMCN1):c.15272A>G (p.Gln5091Arg)

Gene: HMCN1 (hemicentin 1; plus strand). Cytogenetic location: 1q31.1.
Variant type: single nucleotide variant.
Coding change: c.15272A>G on transcript NM_031935.3 (MANE Select); coding-DNA position 15272, A replaced by G.
Protein change: p.Gln5091Arg; replaces glutamine 5091 with arginine.
Molecular consequence: missense variant.
Genome position (GRCh38, 1-based): chr1:186,165,126, A>G. VCF-style: chr1-186165126-A-G. GRCh37 (hg19) VCF-style: chr1-186134258-A-G.
Other names: short protein forms Q5091R.
Identifiers: ClinVar variation 2955352 (VCV002955352.3), dbSNP rs376856594, ClinGen allele CA1295202.

ClinVar aggregate classification (germline): Uncertain significance (1 of 4 stars; one submission).

Allele frequency attached by ClinVar (database versions not stated): ExAC 0.00001; gnomAD 0.00001; gnomAD exomes 0.00001; ESP Exome Variant Server 0.00008.
gnomAD v4.1: 6 of 1,614,004 alleles (0.00037%); highest among the groups gnomAD compares: East Asian, 0.0022%; no homozygotes.

Submission:

Labcorp Genetics (formerly Invitae), Labcorp
Classification: Uncertain significance. Last evaluated: 2023-07-07. Review status: criteria provided, single submitter. Criteria: Invitae Variant Classification Sherloc (09022015). Collection method: clinical testing. Allele origin: germline.
Comment: This sequence change replaces glutamine, which is neutral and polar, with arginine, which is basic and polar, at codon 5091 of the HMCN1 protein (p.Gln5091Arg). This variant is present in population databases (rs376856594, gnomAD 0.06%). This variant has not been reported in the literature in individuals affected with HMCN1-related conditions. An algorithm developed to predict the effect of missense changes on protein structure and function (PolyPhen-2) suggests that this variant is likely to be disruptive. Algorithms developed to predict the effect of sequence changes on RNA splicing suggest that this variant may create or strengthen a splice site. In summary, the available evidence is currently insufficient to determine the role of this variant in disease. Therefore, it has been classified as a Variant of Uncertain Significance.